The following is an entry in ClinVar:

ClinVar aggregate classification (germline): Uncertain significance (1 of 4 stars; one submission).

Conditions:
Atypical hemolytic-uremic syndrome. Identifiers: Orphanet 2134, MedGen C2931788, MONDO:0016244.

gnomAD v4.1: 17 of 1,613,922 alleles (0.0011%); highest among the groups gnomAD compares: African/African-American, 0.0067%; no homozygotes.

Submission:

Genomenon, Inc
Classification: Uncertain significance for Atypical hemolytic-uremic syndrome. Last evaluated: 2025-10-02. Review status: criteria provided, single submitter. Criteria: Genomenon Sequence Variant Interpretation Standards - Updated. Collection method: curation. Allele origin: germline. Affected: yes.
Comment: CFH p.Arg1074Pro (c.3221G>C) is a missense variant that changes the amino acid at residue 1074 from Arginine to Proline. This variant has been observed in at least one proband affected with atypical hemolytic-uremic syndrome (PMID:28461395;29563339). It is absent or not present at a significant frequency in gnomAD. In conclusion, we classify CFH p.Arg1074Pro (c.3221G>C) as a variant of uncertain significance.

Literature cited by the submitters: PubMed 28461395; PubMed 29563339.

NM_000186.4(CFH):c.3221G>C (p.Arg1074Pro)

Gene: CFH (complement factor H; plus strand). Cytogenetic location: 1q31.3.
Variant type: single nucleotide variant.
Coding change: c.3221G>C on transcript NM_000186.4 (MANE Select); coding-DNA position 3221, G replaced by C.
Protein change: p.Arg1074Pro; replaces arginine 1074 with proline.
Molecular consequence: missense variant.
Genome position (GRCh38, 1-based): chr1:196,743,539, G>C. VCF-style: chr1-196743539-G-C. GRCh37 (hg19) VCF-style: chr1-196712669-G-C.
Other names: short protein forms R1074P.
Identifiers: ClinVar variation 4291546 (VCV004291546.1).